The following is an entry in ClinVar:

NM_000059.4(BRCA2):c.5704G>A

Gene: BRCA2 (BRCA2 DNA repair associated; plus strand). Cytogenetic location: 13q13.1.
Variant type: single nucleotide variant.
Coding change: c.5704G>A on transcript NM_000059.4 (MANE Select); coding-DNA position 5704, G replaced by A.
Genome position (GRCh38, 1-based): chr13:32,340,059, G>A. VCF-style: chr13-32340059-G-A. GRCh37 (hg19) VCF-style: chr13-32914196-G-A.
Other names: D1902N; 5932 G>A; NP_000050.3:p.Asp1902Asn; c.5704G>A, p.Asp1902Asn (LRG_293t1).
Identifiers: ClinVar variation 51912 (VCV000051912.104), dbSNP rs4987048, ClinGen allele CA023014.
Genomic context (GRCh38, chr13:32,340,059, plus strand): 5'-TCAAAAATTTGCCAAACGAAAATTATGGCAGGTTGTTACGAGGCATTGGATGATTCAGAG[G>A]ATATTCTTCATAACTCTCTAGATAATGATGAATGTAGCACGCATTCACATAAGGTTTTTG-3'

ClinVar aggregate classification (germline): Benign. Review status: reviewed by expert panel (3 of 4 stars). 37 submissions from 35 submitters: Benign (1). 36 of the submissions do not count toward it. Last evaluated 2015-01-12.

Conditions:
Breast and/or ovarian cancer. Identifiers: MedGen CN221562.
Hereditary cancer-predisposing syndrome. Also called: Hereditary Cancer Syndrome; Tumor predisposition; Neoplastic Syndromes, Hereditary; Hereditary neoplastic syndrome. Identifiers: Orphanet 140162, MedGen C0027672, MeSH D009386, MONDO:0015356.
Hereditary breast ovarian cancer syndrome. Also called: Breast and ovarian cancer; BRCA1- and BRCA2-Associated Hereditary Breast and Ovarian Cancer; Hereditary breast and ovarian cancer; Hereditary breast and ovarian cancer syndrome (HBOC); Hereditary breast and ovarian cancer syndrome; Hereditary breast and/or ovarian cancer syndrome. Identifiers: Orphanet 145, MedGen C0677776, MeSH D061325, MONDO:0003582. Disease mechanism: loss of function.
Breast-ovarian cancer, familial, susceptibility to, 2 (BROVCA2). Also called: BRCA2 Hereditary Breast and Ovarian Cancer. Identifiers: Orphanet 145, MedGen C2675520, MONDO:0012933, OMIM 612555. Disease mechanism: loss of function.
Fanconi anemia complementation group D1. Also called: BRCA2-Related Fanconi Anemia. Identifiers: Orphanet 319462, MedGen C1838457, MONDO:0011584, OMIM 605724.
Familial cancer of breast. Also called: BREAST CANCER, FAMILIAL; hereditary breast carcinoma; Hereditary breast cancer. Identifiers: Orphanet 227535, MedGen C0346153, MONDO:0016419, OMIM 114480. Disease mechanism: loss of function.

Allele frequency attached by ClinVar (database versions not stated): gnomAD exomes 0.00055 and 0.00139; ExAC 0.00166; gnomAD 0.00655 and 0.00598; 1000 Genomes Project 30x 0.00656; TOPMed 0.00656; 1000 Genomes Project 0.00619; ESP Exome Variant Server 0.00631.
gnomAD v4.1: 1,759 of 1,613,726 alleles (0.11%); highest among the groups gnomAD compares: African/African-American, 2.1%; 13 homozygotes.

Submissions 1 to 21 of 37:

Evidence-based Network for the Interpretation of Germline Mutant Alleles (ENIGMA)
Classification: Benign for Breast-ovarian cancer, familial 2. Last evaluated: 2015-01-12. Review status: reviewed by expert panel. Criteria: ENIGMA BRCA1/2 Classification Criteria (2015). Collection method: curation. Allele origin: germline.
Comment: Class 1 not pathogenic based on frequency >1% in an outbred sampleset. Frequency 0.01626 (African), derived from 1000 genomes (2012-04-30).

CeGaT Center for Human Genetics Tuebingen
Classification: Benign. Last evaluated: 2026-05-01. Review status: criteria provided, single submitter. Criteria: CeGaT Center For Human Genetics Tuebingen Variant Classification Criteria Version 2. Collection method: clinical testing. Allele origin: germline. Affected: yes. Observed: 6 variant alleles. Not counted in ClinVar's aggregate classification.
Comment: BRCA2: BP4, BS1, BS2

Labcorp Genetics (formerly Invitae), Labcorp
Classification: Benign for Hereditary breast ovarian cancer syndrome. Last evaluated: 2026-02-04. Review status: criteria provided, single submitter. Criteria: Invitae Variant Classification Sherloc (09022015). Collection method: clinical testing. Allele origin: germline. Not counted in ClinVar's aggregate classification.

Center for Genomic Medicine, Rigshospitalet, Copenhagen University Hospital
Classification: Benign. Last evaluated: 2025-03-04. Review status: criteria provided, single submitter. Criteria: ACMG Guidelines, 2015. Collection method: clinical testing. Allele origin: germline. Not counted in ClinVar's aggregate classification.

ARUP Laboratories, Molecular Genetics and Genomics, ARUP Laboratories
Classification: Benign. Last evaluated: 2025-02-18. Review status: criteria provided, single submitter. Criteria: ARUP Molecular Germline Variant Investigation Process 2024. Collection method: clinical testing. Allele origin: germline. Not counted in ClinVar's aggregate classification.

KCCC/NGS Laboratory, Kuwait Cancer Control Center
Classification: Benign for Familial cancer of breast. Last evaluated: 2025-02-01. Review status: criteria provided, single submitter. Criteria: ACMG Guidelines, 2015. Collection method: clinical testing. Allele origin: germline. Affected: no. Not counted in ClinVar's aggregate classification.

Blueprint Genetics
Classification: Likely benign. Last evaluated: 2024-11-27. Review status: criteria provided, single submitter. Criteria: ACMG Guidelines, 2015. Collection method: clinical testing. Allele origin: germline. Not counted in ClinVar's aggregate classification.

All of Us Research Program, National Institutes of Health
Classification: Benign for Breast-ovarian cancer, familial, susceptibility to, 2. Last evaluated: 2024-02-05. Review status: criteria provided, single submitter. Criteria: ACMG Guidelines, 2015. Collection method: clinical testing. Allele origin: germline. Inheritance: Autosomal dominant inheritance. Observed: 345 variant alleles, 341 heterozygotes, 4 homozygotes. Not counted in ClinVar's aggregate classification.
Comment: This study involves interpretation of variants in research participants for the purpose of population health screening. Participant phenotype was not available at the time of variant classification. Additional details can be found in publication PMID: 35346344, PMCID: PMC8962531

KCCC/NGS Laboratory, Kuwait Cancer Control Center
Classification: Benign for Breast-ovarian cancer, familial, susceptibility to, 2. Last evaluated: 2023-07-07. Review status: criteria provided, single submitter. Criteria: ACMG Guidelines, 2015. Collection method: clinical testing. Allele origin: germline. Affected: yes. Not counted in ClinVar's aggregate classification.

CHEO Genetics Diagnostic Laboratory, Children's Hospital of Eastern Ontario
Classification: Benign for Breast and/or ovarian cancer. Last evaluated: 2022-09-26. Review status: criteria provided, single submitter. Criteria: ACMG Guidelines, 2015. Collection method: clinical testing. Allele origin: germline. Not counted in ClinVar's aggregate classification.

National Health Laboratory Service, Universitas Academic Hospital and University of the Free State
Classification: Benign for Hereditary breast ovarian cancer syndrome. Last evaluated: 2021-11-16. Review status: criteria provided, single submitter. Criteria: ACMG Guidelines, 2015. Collection method: clinical testing. Allele origin: germline. Affected: yes. Observed: 2 variant alleles. Not counted in ClinVar's aggregate classification.

Genetics Program, Instituto Nacional de Cancer
Classification: Benign for Hereditary breast ovarian cancer syndrome. Last evaluated: 2021-11-01. Review status: criteria provided, single submitter. Criteria: ACMG Guidelines, 2015. Collection method: research. Allele origin: germline. Affected: yes. Not counted in ClinVar's aggregate classification.

Genetic Services Laboratory, University of Chicago
Classification: Benign. Last evaluated: 2019-02-11. Review status: criteria provided, single submitter. Criteria: ACMG Guidelines, 2015. Collection method: clinical testing. Allele origin: germline. Affected: no. Not counted in ClinVar's aggregate classification.

Illumina Laboratory Services, Illumina
Classification: Likely benign for Breast-ovarian cancer, familial, susceptibility to, 2. Last evaluated: 2018-10-29. Review status: criteria provided, single submitter. Criteria: ICSL Variant Classification Criteria 13 December 2019. Collection method: clinical testing. Allele origin: germline. Not counted in ClinVar's aggregate classification.
Comment: This variant was observed as part of a predisposition screen in an ostensibly healthy population. A literature search was performed for the gene, cDNA change, and amino acid change (where applicable). Publications were found based on this search. The evidence from the literature, in combination with allele frequency data from public databases where available, was sufficient to determine this variant is unlikely to cause disease. Therefore, this variant is classified as likely benign.

Illumina Laboratory Services, Illumina
Classification: Likely benign for Fanconi anemia complementation group D1. Last evaluated: 2018-10-29. Review status: criteria provided, single submitter. Criteria: ICSL Variant Classification Criteria 13 December 2019. Collection method: clinical testing. Allele origin: germline. Not counted in ClinVar's aggregate classification.
Comment: This variant was observed as part of a predisposition screen in an ostensibly healthy population. A literature search was performed for the gene, cDNA change, and amino acid change (where applicable). No publications were found based on this search. Allele frequency data from public databases allowed determination this variant is unlikely to cause disease. Therefore, this variant is classified as likely benign.

GeneKor MSA
Classification: Benign. Last evaluated: 2017-11-01. Review status: criteria provided, single submitter. Criteria: ACMG Guidelines, 2015. Collection method: clinical testing. Allele origin: germline. Affected: yes. Not counted in ClinVar's aggregate classification.

Baylor Genetics
Classification: Benign for Familial cancer of breast. Last evaluated: 2017-02-23. Review status: criteria provided, single submitter. Criteria: ACMG Guidelines, 2015. Collection method: clinical testing. Allele origin: germline. Inheritance: Autosomal dominant inheritance. Affected: no. Not counted in ClinVar's aggregate classification.

PreventionGenetics, part of Exact Sciences
Classification: Benign. Last evaluated: 2016-10-03. Review status: criteria provided, single submitter. Criteria: ACMG Guidelines, 2015. Collection method: clinical testing. Allele origin: germline. Not counted in ClinVar's aggregate classification.

Center for Pediatric Genomic Medicine, Children's Mercy Hospital and Clinics
Classification: Likely benign. Last evaluated: 2016-06-23. Review status: criteria provided, single submitter. Criteria: ACMG Guidelines, 2015. Collection method: clinical testing. Allele origin: germline. Not counted in ClinVar's aggregate classification.
ClinVar note: Converted during submission from Likely Benign to Likely benign.

Molecular Genetics Laboratory, University of Michigan
Classification: Benign for Breast-ovarian cancer, familial, susceptibility to, 2. Last evaluated: 2016-04-21. Review status: criteria provided, single submitter. Criteria: ACMG Guidelines, 2015. Collection method: clinical testing. Allele origin: germline. Affected: yes. Not counted in ClinVar's aggregate classification.

Fulgent Genetics
Classification: Likely benign for Breast-ovarian cancer, familial, susceptibility to, 2. Last evaluated: 2016-01-29. Review status: criteria provided, single submitter. Criteria: ACMG Guidelines, 2015. Collection method: clinical testing. Allele origin: unknown. Not counted in ClinVar's aggregate classification.